The following is an entry in ClinVar:

NC_000019.10:g.34364916G>A

Gene: GPI (glucose-6-phosphate isomerase; plus strand). Cytogenetic location: 19q13.11.
Variant type: single nucleotide variant.
Molecular consequence: missense variant (on NM_001184722.1).
Genome position: GRCh38 VCF-style: chr19-34364916-G-A. GRCh37 (hg19) VCF-style: chr19-34855821-G-A.
Other names: c.7G>A, p.Ala3Thr (NM_001184722.1, NM_001289789.1, NM_001440422.1); short protein forms A3T.
Identifiers: ClinVar variation 1679432 (VCV001679432.8), dbSNP rs549433538, ClinGen allele CA9366723.

ClinVar aggregate classification (germline): Uncertain significance. Review status: criteria provided, single submitter (1 of 4 stars). 2 submissions from 2 submitters: Uncertain significance (1). 1 of the submissions does not count toward it. Last evaluated 2022-01-25.

Conditions:
GPI-related disorder. Also called: GPI-related condition.
Hemolytic anemia due to glucophosphate isomerase deficiency (CNSHA4). Also called: ANEMIA, CONGENITAL, NONSPHEROCYTIC HEMOLYTIC, 4. Identifiers: Orphanet 712, MedGen C0272064, MONDO:0013275, OMIM 613470.

Allele frequency attached by ClinVar (database versions not stated): gnomAD exomes 0.00011 and 0.00017; ExAC 0.00049; gnomAD 0.00127 and 0.00139; TOPMed 0.00134; 1000 Genomes Project 0.00080.
gnomAD v4.1: 348 of 1,469,542 alleles (0.024%); highest among the groups gnomAD compares: African/African-American, 0.46%; 1 homozygote.

Submissions (2):

ARUP Laboratories, Molecular Genetics and Genomics, ARUP Laboratories
Classification: Uncertain significance for Hemolytic anemia due to glucophosphate isomerase deficiency. Last evaluated: 2022-01-25. Review status: criteria provided, single submitter. Criteria: ARUP Molecular Germline Variant Investigation Process 2021. Collection method: clinical testing. Allele origin: germline.

PreventionGenetics, part of Exact Sciences
Classification: Likely benign for GPI-related condition. Last evaluated: 2024-09-24. Review status: no assertion criteria provided. Collection method: clinical testing. Allele origin: germline. Not counted in ClinVar's aggregate classification.
Comment: This variant is classified as likely benign based on ACMG/AMP sequence variant interpretation guidelines (Richards et al. 2015 PMID: 25741868, with internal and published modifications).